The following is an entry in ClinVar:

NM_001006658.3(CR2):c.1848G>T (p.Lys616Asn)

Gene: CR2 (complement C3d receptor 2; plus strand). Cytogenetic location: 1q32.2.
Variant type: single nucleotide variant.
Coding change: c.1848G>T on transcript NM_001006658.3 (MANE Select); coding-DNA position 1848, G replaced by T.
Protein change: p.Lys616Asn; replaces lysine 616 with asparagine.
Molecular consequence: missense variant.
Genome position (GRCh38, 1-based): chr1:207,473,049, G>T. VCF-style: chr1-207473049-G-T. GRCh37 (hg19) VCF-style: chr1-207646394-G-T.
Other names: c.1848G>T, p.Lys616Asn (NM_001877.5); short protein forms K616N.
Identifiers: ClinVar variation 1981349 (VCV001981349.4), dbSNP rs1388356094, ClinGen allele CA344534801.
Genomic context (GRCh38, chr1:207,473,049, plus strand): 5'-CCTCCTTGCTGTCCAGTGCTCACATGTCCATATTGCAAATGGATACAAGATATCTGGCAA[G>T]GAAGCCCCATATTTCTACAATGACACTGTGACATTCAAGTGTTATAGTGGATTTACTTTG-3'
Protein context (NP_001006659.1, residues 606-626): HIANGYKISG[Lys616Asn]EAPYFYNDTV

ClinVar aggregate classification (germline): Uncertain significance (1 of 4 stars; one submission).

Conditions:
Immunodeficiency, common variable, 7. Identifiers: Orphanet 1572, Orphanet 696894, MedGen C3542922, MONDO:0013862, OMIM 614699.

gnomAD v4.1: 2 of 1,614,002 alleles (0.00012%); highest among the groups gnomAD compares: Admixed American, 0.0033%; no homozygotes.

Submission:

Labcorp Genetics (formerly Invitae), Labcorp
Classification: Uncertain significance for Immunodeficiency, common variable, 7. Last evaluated: 2021-12-24. Review status: criteria provided, single submitter. Criteria: Invitae Variant Classification Sherloc (09022015). Collection method: clinical testing. Allele origin: germline.
Comment: This variant is present in population databases (no rsID available, gnomAD 0.003%). In summary, the available evidence is currently insufficient to determine the role of this variant in disease. Therefore, it has been classified as a Variant of Uncertain Significance. Algorithms developed to predict the effect of missense changes on protein structure and function output the following: SIFT: "Tolerated"; PolyPhen-2: "Benign"; Align-GVGD: "Class C0". The asparagine amino acid residue is found in multiple mammalian species, which suggests that this missense change does not adversely affect protein function. This variant has not been reported in the literature in individuals affected with CR2-related conditions. This sequence change replaces lysine, which is basic and polar, with asparagine, which is neutral and polar, at codon 616 of the CR2 protein (p.Lys616Asn).